The following is an entry in ClinVar:

ClinVar aggregate classification (germline): Benign/Likely benign. Review status: criteria provided, multiple submitters, no conflicts (2 of 4 stars). 2 submissions from 2 submitters: Benign (1); Likely benign (1). Last evaluated 2024-04-09.

Conditions:
Hereditary cancer-predisposing syndrome. Also called: Neoplastic Syndromes, Hereditary; Tumor predisposition; Hereditary Cancer Syndrome; Hereditary neoplastic syndrome. Identifiers: Orphanet 140162, MedGen C0027672, MeSH D009386, MONDO:0015356.
Familial adenomatous polyposis 1 (FAP1). Also called: FAMILIAL ADENOMATOUS POLYPOSIS 1, ATTENUATED; POLYPOSIS, ADENOMATOUS INTESTINAL. Identifiers: MedGen C2713442, MONDO:0021056, OMIM 175100. Disease mechanism: loss of function.

Submissions (2):

Myriad Genetics, Inc.
Classification: Benign for Familial adenomatous polyposis 1. Last evaluated: 2024-04-09. Review status: criteria provided, single submitter. Criteria: Myriad Autosomal Dominant, Autosomal Recessive and X-Linked Classification Criteria (2023). Collection method: clinical testing. Allele origin: unknown.
Comment: This variant is considered benign. This variant is a silent/synonymous amino acid change and it is not expected to impact splicing.

Ambry Genetics
Classification: Likely benign for Hereditary cancer-predisposing syndrome. Last evaluated: 2021-05-06. Review status: criteria provided, single submitter. Criteria: Ambry Variant Classification Scheme 2023. Collection method: clinical testing. Allele origin: germline.

NM_000038.6(APC):c.7515A>G (p.Arg2505=)

Gene: APC (APC regulator of Wnt signaling pathway; plus strand). Cytogenetic location: 5q22.2.
Variant type: single nucleotide variant.
Coding change: c.7515A>G on transcript NM_000038.6 (MANE Select); coding-DNA position 7515, A replaced by G.
Protein change: p.Arg2505=; no amino-acid change (arginine 2505 retained).
Molecular consequence: synonymous variant. On other transcripts: non-coding transcript variant (2).
Genome position (GRCh38, 1-based): chr5:112,843,109, A>G. VCF-style: chr5-112843109-A-G. GRCh37 (hg19) VCF-style: chr5-112178806-A-G.
Other names: c.7485A>G, p.Arg2495= (NM_001407452.1); c.7338A>G, p.Arg2446= (NM_001407453.1, NM_001354901.2); c.7266A>G, p.Arg2422= (NM_001407454.1, NM_001407455.1, NM_001407456.1 and 1 more transcripts); c.7212A>G, p.Arg2404= (NM_001407458.1, NM_001407459.1, NM_001407460.1 and 1 more transcripts); c.7128A>G, p.Arg2376= (NM_001407467.1, NM_001407469.1); c.6666A>G, p.Arg2222= (NM_001407470.1, NM_001354906.2); c.6363A>G, p.Arg2121= (NM_001407471.1, NM_001407472.1); c.7515A>G, p.Arg2505= (NM_001127510.3, NM_001354895.2, NM_001407450.1); and 11 more.
Identifiers: ClinVar variation 1759295 (VCV001759295.3), dbSNP rs1230681919, ClinGen allele CA446210868.
Genomic context (GRCh38, chr5:112,843,109, plus strand): 5'-TCCTTCCCTTCCTGATATGTCTCTATCCACACATTCGTCTGTTCAGGCTGGTGGATGGCG[A>G]AAACTCCCACCTAATCTCAGTCCCACTATAGAGTATAATGATGGAAGACCAGCAAAGCGC-3'
Protein context (NP_000029.2, residues 2495-2515): THSSVQAGGW[Arg2505=]KLPPNLSPTI